The following is an entry in ClinVar:

ClinVar aggregate classification (germline): Uncertain significance. Review status: criteria provided, multiple submitters, no conflicts (2 of 4 stars). 2 submissions from 2 submitters: Uncertain significance (2). Last evaluated 2017-05-26.

Allele frequency attached by ClinVar (database versions not stated): TOPMed 0.00001.
gnomAD v4.1: 8 of 1,614,016 alleles (0.0005%); highest among the groups gnomAD compares: East Asian, 0.0022%; no homozygotes.

Submissions (2):

GeneDx
Classification: Uncertain significance. Last evaluated: 2017-05-26. Review status: criteria provided, single submitter. Criteria: GeneDx Variant Classification (06012015). Collection method: clinical testing. Allele origin: germline. Affected: yes.
Comment: A variant of uncertain significance has been identified in the DYSF gene. The P1399S variant has not been published as a pathogenic variant, nor has it been reported as a benign variant to our knowledge. The P1399S variant is not observed in large population cohorts (Lek et al., 2016; 1000 Genomes Consortium et al., 2015; Exome Variant Server). The P1399S variant is a non-conservative amino acid substitution, which is likely to impact secondary protein structure as these residues differ in polarity, charge, size and/or other properties. This substitution occurs at a position that is conserved across species, and in silico analysis predicts this variant is probably damaging to the protein structure/function. Based on the currently available information, it is unclear whether this variant is a pathogenic variant or a rare benign variant.

Eurofins Ntd Llc (ga)
Classification: Uncertain significance. Last evaluated: 2016-10-04. Review status: criteria provided, single submitter. Criteria: EGL Classification Definitions 2015. Collection method: clinical testing. Allele origin: germline. Observed: 1 variant allele, 1 heterozygote.

NM_001130987.2(DYSF):c.4249C>T (p.Pro1417Ser)

Gene: DYSF (dysferlin; plus strand). Cytogenetic location: 2p13.2.
Variant type: single nucleotide variant.
Coding change: c.4249C>T on transcript NM_001130987.2 (MANE Select); coding-DNA position 4249, C replaced by T.
Protein change: p.Pro1417Ser; replaces proline 1417 with serine.
Molecular consequence: missense variant.
Genome position (GRCh38, 1-based): chr2:71,612,668, C>T. VCF-style: chr2-71612668-C-T. GRCh37 (hg19) VCF-style: chr2-71839798-C-T.
Other names: c.4198C>T, p.Pro1400Ser (NM_001130455.2, NM_001130983.2); c.4153C>T, p.Pro1385Ser (NM_001130976.2, NM_001130977.2); c.4195C>T, p.Pro1399Ser (NM_001130978.2, NM_003494.4); c.4288C>T, p.Pro1430Ser (NM_001130979.2); c.4246C>T, p.Pro1416Ser (NM_001130980.2, NM_001130981.2); c.4291C>T, p.Pro1431Ser (NM_001130982.2); c.4156C>T, p.Pro1386Ser (NM_001130984.2, NM_001130986.2); c.4249C>T, p.Pro1417Ser (NM_001130985.2); short protein forms P1399S, P1417S, P1385S, P1386S, P1416S, P1400S, P1430S, P1431S.
Identifiers: ClinVar variation 432288 (VCV000432288.6), dbSNP rs376134165, ClinGen allele CA347229235.
Genomic context (GRCh38, chr2:71,612,668, plus strand): 5'-TTCAGGCCAGTGCGTTCTTCCTCCTCCACCCAGATGCTGCCCAGGGAGGAGCTCTACTGC[C>T]CCCCCATCACCGTCAAGGTCATCGATAACCGCCAGTTTGGCCGCCGGCCTGTGGTGGGCC-3'
Protein context (NP_001124459.1, residues 1407-1427): VMLPREELYC[Pro1417Ser]PITVKVIDNR